The following is an entry in ClinVar:

ClinVar aggregate classification (germline): Pathogenic (1 of 4 stars; one submission).

Conditions:
Early-infantile DEE. Also called: Ohtahara syndrome; Early infantile epileptic encephalopathy with suppression bursts; Early infantile epileptic encephalopathy. Identifiers: Orphanet 1934, MedGen C0393706, MONDO:0800491.

Submission:

Labcorp Genetics (formerly Invitae), Labcorp
Classification: Pathogenic for Early-infantile DEE. Last evaluated: 2024-02-24. Review status: criteria provided, single submitter. Criteria: Invitae Variant Classification Sherloc (09022015). Collection method: clinical testing. Allele origin: germline.
Comment: This sequence change creates a premature translational stop signal (p.Tyr1241Leufs*55) in the SCN8A gene. It is expected to result in an absent or disrupted protein product. Loss-of-function variants in SCN8A are known to be pathogenic (PMID: 19254928, 32651551). This variant is not present in population databases (gnomAD no frequency). This variant has not been reported in the literature in individuals affected with SCN8A-related conditions. ClinVar contains an entry for this variant (Variation ID: 1058374). For these reasons, this variant has been classified as Pathogenic.

Literature cited by the submitters: PubMed 19254928; PubMed 32651551.

NM_001330260.2(SCN8A):c.3664_3719dup (p.Tyr1241fs)

Gene: SCN8A (sodium voltage-gated channel alpha subunit 8; plus strand). Cytogenetic location: 12q13.13.
Variant type: Duplication.
Coding change: c.3664_3719dup on transcript NM_001330260.2 (MANE Select); coding-DNA positions 3664 to 3719, 56 bases duplicated.
Protein change: p.Tyr1241fs; shifts the reading frame from tyrosine 1241.
Molecular consequence: frameshift variant.
Genome position (GRCh38, 1-based): chr12:51,774,207-51,774,262, 56 bases duplicated. GRCh37 (hg19): chr12:52,167,991-52,168,046.
Other names: c.3664_3719dup, p.Tyr1241fs (NM_001177984.3, NM_001369788.1, NM_014191.4); short protein forms Y1241fs.
Identifiers: ClinVar variation 1058374 (VCV001058374.8), dbSNP rs2138878910, ClinGen allele CA2499221735.